The following is an entry in ClinVar:

NM_004937.3(CTNS):c.300T>A (p.Tyr100Ter)

Genes: CTNS (cystinosin, lysosomal cystine transporter; plus strand), CTNS-AS1 (CTNS antisense RNA 1; minus strand). Cytogenetic location: 17p13.2.
Variant type: single nucleotide variant.
Coding change: c.300T>A on transcript NM_004937.3 (MANE Select); coding-DNA position 300, T replaced by A.
Protein change: p.Tyr100Ter; replaces tyrosine 100 with a stop codon.
Molecular consequence: nonsense. On other transcripts: 5 prime UTR variant (4).
Genome position (GRCh38, 1-based): chr17:3,655,072, T>A. VCF-style: chr17-3655072-T-A. GRCh37 (hg19) VCF-style: chr17-3558366-T-A.
Other names: c.300T>A, p.Tyr100Ter (NM_001031681.3, NM_001374492.1); c.-142T>A (NM_001374493.1, NM_001374494.1, NM_001374495.1 and 1 more transcripts); short protein forms Y100*.
Identifiers: ClinVar variation 984078 (VCV000984078.7), dbSNP rs376042415, ClinGen allele CA397690224.

ClinVar aggregate classification (germline): Pathogenic/Likely pathogenic. Review status: criteria provided, multiple submitters, no conflicts (2 of 4 stars). 2 submissions from 2 submitters: Pathogenic (1); Likely pathogenic (1). Last evaluated 2023-01-20.

Conditions:
Inborn genetic diseases. Identifiers: MedGen C0950123, MeSH D030342.
Ocular cystinosis. Also called: Non-Nephropathic Cystinosis; Non-Nephropathic (Ocular) Cystinosis. Identifiers: Orphanet 213, Orphanet 411641, MedGen C2931013, MONDO:0009064, OMIM 219750.
Juvenile nephropathic cystinosis. Also called: Intermediate Cystinosis; CYSTINOSIS, LATE-ONSET JUVENILE OR ADOLESCENT NEPHROPATHIC TYPE; Later-Onset (Juvenile) Cystinosis. Identifiers: Orphanet 213, Orphanet 411634, MedGen C0268626, MONDO:0009066, OMIM 219900.
Cystinosis. Also called: Cystine diathesis; Cystine storage disease; Cystinoses. Identifiers: Orphanet 213, MedGen C4316899, MONDO:0016239.

gnomAD v4.1: 2 of 1,614,160 alleles (0.00012%); highest among the groups gnomAD compares: East Asian, 0.0045%; no homozygotes.

Submissions (2):

Labcorp Genetics (formerly Invitae), Labcorp
Classification: Pathogenic for Inborn genetic diseases; Ocular cystinosis; Juvenile nephropathic cystinosis. Last evaluated: 2023-01-20. Review status: criteria provided, single submitter. Criteria: Invitae Variant Classification Sherloc (09022015). Collection method: clinical testing. Allele origin: germline.
Comment: For these reasons, this variant has been classified as Pathogenic. ClinVar contains an entry for this variant (Variation ID: 984078). This variant has not been reported in the literature in individuals affected with CTNS-related conditions. This variant is not present in population databases (gnomAD no frequency). This sequence change creates a premature translational stop signal (p.Tyr100*) in the CTNS gene. It is expected to result in an absent or disrupted protein product. Loss-of-function variants in CTNS are known to be pathogenic (PMID: 9537412, 27102039).

Myriad Genetics, Inc.
Classification: Likely pathogenic for Cystinosis. Last evaluated: 2020-01-05. Review status: criteria provided, single submitter. Criteria: Myriad Autosomal Dominant, Autosomal Recessive and X-Linked Classification Criteria (2023). Collection method: clinical testing. Allele origin: unknown.
Comment: NM_004937.2(CTNS):c.300T>A(Y100*) is expected to be pathogenic in the context of cystinosis. This variant is predicted to lead to an abnormal or absent protein product due to the creation of a premature termination codon in CTNS, a gene where loss-of-function variants are known to be pathogenic. Please note: this variant was assessed in the context of healthy population screening.

Literature cited by the submitters: PubMed 9537412 (cited by Labcorp Genetics (formerly Invitae), Labcorp); PubMed 27102039 (cited by Labcorp Genetics (formerly Invitae), Labcorp).